The following is an entry in ClinVar:

ClinVar aggregate classification (germline): Benign (1 of 4 stars; one submission).

Allele frequency attached by ClinVar (database versions not stated): gnomAD 0.50545; 1000 Genomes Project 30x 0.45737; TOPMed 0.49164; 1000 Genomes Project 0.46665.

Submission:

Unidad de Genómica Garrahan, Hospital de Pediatría Garrahan
Classification: Benign. Last evaluated: 2024-01-24. Review status: criteria provided, single submitter. Criteria: ACMG Guidelines, 2015. Collection method: clinical testing. Allele origin: germline. Affected: no. Observed: 50 variant alleles.
Comment: This variant is classified as Benign based on local population frequency. This variant was detected in 53% of patients studied by a panel of primary immunodeficiencies. Number of patients: 50. Only high quality variants are reported.

NM_001135729.2(TOM1):c.-48+431G>A

Gene: TOM1 (target of myb1 membrane trafficking protein; plus strand). Cytogenetic location: 22q12.3.
Variant type: single nucleotide variant.
Coding change: c.-48+431G>A on transcript NM_001135729.2; 431 bases into the intron after 48 bases upstream of the start codon, G replaced by A.
Molecular consequence: intron variant.
Genome position (GRCh38, 1-based): chr22:35,299,809, G>A. VCF-style: chr22-35299809-G-A. GRCh37 (hg19) VCF-style: chr22-35695802-G-A.
Identifiers: ClinVar variation 2688109 (VCV002688109.2), dbSNP rs4461, ClinGen allele CA14939506.